The following is an entry in ClinVar:

ClinVar aggregate classification (germline): Uncertain significance (1 of 4 stars; one submission).

Conditions:
Inborn genetic diseases. Identifiers: MedGen C0950123, MeSH D030342.

Submission:

Ambry Genetics
Classification: Uncertain significance for Inborn genetic diseases. Last evaluated: 2023-09-06. Review status: criteria provided, single submitter. Criteria: Ambry Variant Classification Scheme 2023. Collection method: clinical testing. Allele origin: germline.
Comment: The p.T142A variant (also known as c.424A>G), located in coding exon 4 of the SLC12A6 gene, results from an A to G substitution at nucleotide position 424. The threonine at codon 142 is replaced by alanine, an amino acid with similar properties. This amino acid position is conserved. In addition, this alteration is predicted to be deleterious by in silico analysis. Since supporting evidence is limited at this time, the clinical significance of this alteration remains unclear.

NM_001365088.1(SLC12A6):c.424A>G (p.Thr142Ala)

Gene: SLC12A6 (solute carrier family 12 member 6; minus strand). Cytogenetic location: 15q14.
Variant type: single nucleotide variant.
Coding change: c.424A>G on transcript NM_001365088.1 (MANE Select); coding-DNA position 424, A replaced by G.
Protein change: p.Thr142Ala; replaces threonine 142 with alanine.
Molecular consequence: missense variant.
Genome position (GRCh38, 1-based): chr15:34,258,932, T>C on the plus strand (A>G on the coding strand, the complement: SLC12A6 is on the minus strand). VCF-style: chr15-34258932-T-C. GRCh37 (hg19) VCF-style: chr15-34551133-T-C.
Other names: c.247A>G, p.Thr83Ala (NM_001042494.2, NM_001042495.2); c.397A>G, p.Thr133Ala (NM_001042496.2); c.379A>G, p.Thr127Ala (NM_001042497.2); c.271A>G, p.Thr91Ala (NM_005135.2); c.424A>G, p.Thr142Ala (NM_133647.2); short protein forms T142A, T83A, T91A, T127A, T133A.
Identifiers: ClinVar variation 2625391 (VCV002625391.2), dbSNP rs2509838080, ClinGen allele CA391613848.
Genomic context (GRCh38, chr15:34,258,932, plus strand): 5'-CTTGAGTCAGATTAGTGTAATTGGCCATGCGGTTGAGGAGGGAAGACACCTTCGGTCTGG[T>C]GTCCATTTCTTCCTATAAAGCCAGTGACATGGAAGAAATGAGCTACAAAGAACACTGAAC-3'
Protein context (NP_001352017.1, residues 132-152): NLALFEEEMD[Thr142Ala]RPKVSSLLNR